The following is an entry in ClinVar:

NM_000540.3(RYR1):c.4664C>T (p.Pro1555Leu)

Gene: RYR1 (ryanodine receptor 1; plus strand). Cytogenetic location: 19q13.2.
Variant type: single nucleotide variant.
Coding change: c.4664C>T on transcript NM_000540.3 (MANE Select); coding-DNA position 4664, C replaced by T.
Protein change: p.Pro1555Leu; replaces proline 1555 with leucine.
Molecular consequence: missense variant.
Genome position (GRCh38, 1-based): chr19:38,483,070, C>T. VCF-style: chr19-38483070-C-T. GRCh37 (hg19) VCF-style: chr19-38973710-C-T.
Other names: c.4664C>T, p.Pro1555Leu (NM_001042723.2); short protein forms P1555L.
Identifiers: ClinVar variation 644967 (VCV000644967.8), dbSNP rs1600760832, ClinGen allele CA405649440.
Genomic context (GRCh38, chr19:38,483,070, plus strand): 5'-CTCTTCTCCTCTGCCAGGTGGAACCCAACACTAAGCTATTTCCTGCCGTCTTCGTCCTGC[C>T]CACCCACCAGAACGTCATCCAGTTTGAGCTGGGGAAGCAGAAGGTACAAGTGCAGTGATG-3'
Protein context (NP_000531.2, residues 1545-1565): TKLFPAVFVL[Pro1555Leu]THQNVIQFEL

ClinVar aggregate classification (germline): Uncertain significance (1 of 4 stars; one submission).

Conditions:
RYR1-related disorder. Also called: RYR1-related disorders; RYR1-related condition. Identifiers: MedGen CN239331.

Submission:

Labcorp Genetics (formerly Invitae), Labcorp
Classification: Uncertain significance for RYR1-related disorder. Last evaluated: 2018-07-31. Review status: criteria provided, single submitter. Criteria: Invitae Variant Classification Sherloc (09022015). Collection method: clinical testing. Allele origin: germline.
Comment: In summary, the available evidence is currently insufficient to determine the role of this variant in disease. Therefore, it has been classified as a Variant of Uncertain Significance. Algorithms developed to predict the effect of missense changes on protein structure and function are either unavailable or do not agree on the potential impact of this missense change (SIFT: "Deleterious"; PolyPhen-2: "Probably Damaging"; Align-GVGD: "Class C0"). This variant has not been reported in the literature in individuals with RYR1-related disease. This variant is not present in population databases (ExAC no frequency). This sequence change replaces proline with leucine at codon 1555 of the RYR1 protein (p.Pro1555Leu). The proline residue is highly conserved and there is a moderate physicochemical difference between proline and leucine.